The following is an entry in ClinVar:

ClinVar aggregate classification (germline): Uncertain significance (1 of 4 stars; one submission).

Allele frequency attached by ClinVar (database versions not stated): gnomAD 0.00001; TOPMed 0.00001.
gnomAD v4.1: 1 of 1,613,928 alleles (0.000062%); highest among the groups gnomAD compares: African/African-American, 0.0013%; no homozygotes.

Submission:

Ambry Genetics
Classification: Uncertain significance. Last evaluated: 2023-06-05. Review status: criteria provided, single submitter. Criteria: Ambry Variant Classification Scheme 2023. Collection method: clinical testing. Allele origin: germline.
Comment: The p.D179G variant (also known as c.536A>G), located in coding exon 2 of the GALNT12 gene, results from an A to G substitution at nucleotide position 536. The aspartic acid at codon 179 is replaced by glycine, an amino acid with similar properties. This amino acid position is conserved. In addition, the in silico prediction for this alteration is inconclusive. Since supporting evidence is limited at this time, the clinical significance of this alteration remains unclear.

NM_024642.5(GALNT12):c.536A>G (p.Asp179Gly)

Gene: GALNT12 (polypeptide N-acetylgalactosaminyltransferase 12; plus strand). Cytogenetic location: 9q22.33.
Variant type: single nucleotide variant.
Coding change: c.536A>G on transcript NM_024642.5 (MANE Select); coding-DNA position 536, A replaced by G.
Protein change: p.Asp179Gly; replaces aspartic acid 179 with glycine.
Molecular consequence: missense variant.
Genome position (GRCh38, 1-based): chr9:98,823,420, A>G. VCF-style: chr9-98823420-A-G. GRCh37 (hg19) VCF-style: chr9-101585702-A-G.
Other names: short protein forms D179G.
Identifiers: ClinVar variation 2561002 (VCV002561002.2), dbSNP rs906520882, ClinGen allele CA196816679.
Genomic context (GRCh38, chr9:98,823,420, plus strand): 5'-TCCTTGAGACATCCCCGGATATCCTGCTAGAAGAAGTGATCCTTGTAGATGACTACAGTG[A>G]TAGAGGTGAGTCCCGGCCAGGGCTCTGGGAAGAGCCTGTCCTTCTGTAGCAGTGTCTGGG-3'
Protein context (NP_078918.3, residues 169-189): EEVILVDDYS[Asp179Gly]REHLKERLAN